The following is an entry in ClinVar:

ClinVar aggregate classification (germline): Uncertain significance. Review status: criteria provided, multiple submitters, no conflicts (2 of 4 stars). 2 submissions from 2 submitters: Uncertain significance (2). Last evaluated 2025-04-18.

Conditions:
Inborn genetic diseases. Identifiers: MedGen C0950123, MeSH D030342.

Allele frequency attached by ClinVar (database versions not stated): gnomAD 0.00004.

Submissions (2):

Ambry Genetics
Classification: Uncertain significance for Inborn genetic diseases. Last evaluated: 2025-04-18. Review status: criteria provided, single submitter. Criteria: Ambry Variant Classification Scheme 2023. Collection method: clinical testing. Allele origin: germline.

Labcorp Genetics (formerly Invitae), Labcorp
Classification: Uncertain significance. Last evaluated: 2021-08-14. Review status: criteria provided, single submitter. Criteria: Invitae Variant Classification Sherloc (09022015). Collection method: clinical testing. Allele origin: germline.
Comment: This sequence change replaces threonine with methionine at codon 972 of the CUL7 protein (p.Thr972Met). The threonine residue is highly conserved and there is a moderate physicochemical difference between threonine and methionine. This variant is present in population databases (rs769466972, ExAC 0.006%). This variant has not been reported in the literature in individuals affected with CUL7-related conditions. Algorithms developed to predict the effect of missense changes on protein structure and function (SIFT, PolyPhen-2, Align-GVGD) all suggest that this variant is likely to be disruptive. In summary, the available evidence is currently insufficient to determine the role of this variant in disease. Therefore, it has been classified as a Variant of Uncertain Significance.

NM_014780.5(CUL7):c.2915C>T (p.Thr972Met)

Gene: CUL7 (cullin 7; minus strand). Cytogenetic location: 6p21.1.
Variant type: single nucleotide variant.
Coding change: c.2915C>T on transcript NM_014780.5 (MANE Select); coding-DNA position 2915, C replaced by T.
Protein change: p.Thr972Met; replaces threonine 972 with methionine.
Molecular consequence: missense variant.
Genome position (GRCh38, 1-based): chr6:43,045,350, G>A on the plus strand (C>T on the coding strand, the complement: CUL7 is on the minus strand). VCF-style: chr6-43045350-G-A. GRCh37 (hg19) VCF-style: chr6-43013088-G-A.
Other names: c.3011C>T, p.Thr1004Met (NM_001168370.2, NM_001374872.1); c.2915C>T, p.Thr972Met (NM_001374873.1, NM_001374874.1); c.2915C>T (NM_014780.4); short protein forms T1004M, T972M.
Identifiers: ClinVar variation 1485080 (VCV001485080.6), dbSNP rs769466972, ClinGen allele CA3813645.